The following is an entry in ClinVar:

NM_020207.7(ERCC6L2):c.3577C>G (p.Leu1193Val)

Gene: ERCC6L2 (ERCC excision repair 6 like 2; plus strand). Cytogenetic location: 9q22.32.
Variant type: single nucleotide variant.
Coding change: c.3577C>G on transcript NM_020207.7 (MANE Select); coding-DNA position 3577, C replaced by G.
Protein change: p.Leu1193Val; replaces leucine 1193 with valine.
Molecular consequence: missense variant. On other transcripts: non-coding transcript variant (1).
Genome position (GRCh38, 1-based): chr9:96,004,604, C>G. VCF-style: chr9-96004604-C-G. GRCh37 (hg19) VCF-style: chr9-98766886-C-G.
Other names: c.3577C>G, p.Leu1193Val (NM_001375291.1, NM_001375292.1); short protein forms L1193V.
Identifiers: ClinVar variation 1511356 (VCV001511356.8), dbSNP rs376796861, ClinGen allele CA466116553.

ClinVar aggregate classification (germline): Uncertain significance (1 of 4 stars; one submission).

Submission:

Labcorp Genetics (formerly Invitae), Labcorp
Classification: Uncertain significance. Last evaluated: 2021-02-26. Review status: criteria provided, single submitter. Criteria: Invitae Variant Classification Sherloc (09022015). Collection method: clinical testing. Allele origin: germline.
Comment: This sequence change replaces leucine with valine at codon 1204 of the ERCC6L2 protein (p.Leu1204Val). The leucine residue is weakly conserved and there is a small physicochemical difference between leucine and valine. This variant is not present in population databases (ExAC no frequency). In summary, the available evidence is currently insufficient to determine the role of this variant in disease. Therefore, it has been classified as a Variant of Uncertain Significance. Algorithms developed to predict the effect of missense changes on protein structure and function are either unavailable or do not agree on the potential impact of this missense change (SIFT: "Tolerated"; PolyPhen-2: "Not Available"; Align-GVGD: "Class C0"). This variant has not been reported in the literature in individuals with ERCC6L2-related conditions.